The following is an entry in ClinVar:

NM_002890.3(RASA1):c.602C>T (p.Ser201Phe)

Genes: CCNH (cyclin H; minus strand), RASA1 (RAS p21 protein activator 1; plus strand). Cytogenetic location: 5q14.3.
Variant type: single nucleotide variant.
Coding change: c.602C>T on transcript NM_002890.3 (MANE Select); coding-DNA position 602, C replaced by T.
Protein change: p.Ser201Phe; replaces serine 201 with phenylalanine.
Molecular consequence: missense variant. On other transcripts: intron variant (1).
Genome position (GRCh38, 1-based): chr5:87,331,410, C>T. VCF-style: chr5-87331410-C-T. GRCh37 (hg19) VCF-style: chr5-86627227-C-T.
Other names: c.71C>T, p.Ser24Phe (NM_022650.3); c.934-18615G>A (NM_001364075.2); short protein forms S24F, S201F.
Identifiers: ClinVar variation 946977 (VCV000946977.3), dbSNP rs760186488, ClinGen allele CA360375549.

ClinVar aggregate classification (germline): Uncertain significance (1 of 4 stars; one submission).

Conditions:
Capillary malformation-arteriovenous malformation syndrome. Also called: Capillary malformation-arteriovenous malformation. Identifiers: Orphanet 137667, MedGen C1842180, MONDO:0012016.

Allele frequency attached by ClinVar (database versions not stated): TOPMed below 0.00001; gnomAD 0.00001.
gnomAD v4.1: 1 of 1,613,484 alleles (0.000062%); highest among the groups gnomAD compares: African/African-American, 0.0013%; no homozygotes.

Submission:

Labcorp Genetics (formerly Invitae), Labcorp
Classification: Uncertain significance for Capillary malformation-arteriovenous malformation. Last evaluated: 2019-05-14. Review status: criteria provided, single submitter. Criteria: Invitae Variant Classification Sherloc (09022015). Collection method: clinical testing. Allele origin: germline.
Comment: This sequence change replaces serine with phenylalanine at codon 201 of the RASA1 protein (p.Ser201Phe). The serine residue is moderately conserved and there is a large physicochemical difference between serine and phenylalanine. This variant is not present in population databases (ExAC no frequency). This variant has not been reported in the literature in individuals with RASA1-related conditions. Algorithms developed to predict the effect of missense changes on protein structure and function (SIFT, PolyPhen-2, Align-GVGD) all suggest that this variant is likely to be tolerated, but these predictions have not been confirmed by published functional studies and their clinical significance is uncertain. In summary, the available evidence is currently insufficient to determine the role of this variant in disease. Therefore, it has been classified as a Variant of Uncertain Significance.